The following is an entry in ClinVar:

ClinVar aggregate classification (germline): Uncertain significance (1 of 4 stars; one submission).

Submission:

GeneDx
Classification: Uncertain significance. Last evaluated: 2023-12-18. Review status: criteria provided, single submitter. Criteria: GeneDx Variant Classification Process June 2021. Collection method: clinical testing. Allele origin: germline. Affected: yes.
Comment: Not observed at significant frequency in large population cohorts (gnomAD); In silico analysis supports that this missense variant has a deleterious effect on protein structure/function; Has not been previously published as pathogenic or benign to our knowledge

NM_001037333.3(CYFIP2):c.1613C>T (p.Pro538Leu)

Gene: CYFIP2 (cytoplasmic FMR1 interacting protein 2; plus strand). Cytogenetic location: 5q33.3.
Variant type: single nucleotide variant.
Coding change: c.1613C>T on transcript NM_001037333.3 (MANE Select); coding-DNA position 1613, C replaced by T.
Protein change: p.Pro538Leu; replaces proline 538 with leucine.
Molecular consequence: missense variant.
Genome position (GRCh38, 1-based): chr5:157,320,744, C>T. VCF-style: chr5-157320744-C-T. GRCh37 (hg19) VCF-style: chr5-156747752-C-T.
Other names: c.1535C>T, p.Pro512Leu (NM_001291721.2); c.1613C>T, p.Pro538Leu (NM_001291722.2, NM_014376.4); short protein forms P512L, P538L.
Identifiers: ClinVar variation 3369980 (VCV003369980.1).